The following is an entry in ClinVar:

ClinVar aggregate classification (germline): Uncertain significance (1 of 4 stars; one submission).

Conditions:
Hereditary cancer-predisposing syndrome. Also called: Tumor predisposition; Hereditary neoplastic syndrome; Hereditary Cancer Syndrome; Neoplastic Syndromes, Hereditary. Identifiers: Orphanet 140162, MedGen C0027672, MeSH D009386, MONDO:0015356.

Submission:

Ambry Genetics
Classification: Uncertain significance for Hereditary cancer-predisposing syndrome. Last evaluated: 2024-03-06. Review status: criteria provided, single submitter. Criteria: Ambry Variant Classification Scheme 2023. Collection method: clinical testing. Allele origin: germline.
Comment: The p.P332R variant (also known as c.995C>G), located in coding exon 8 of the SDHA gene, results from a C to G substitution at nucleotide position 995. The proline at codon 332 is replaced by arginine, an amino acid with dissimilar properties. This amino acid position is conserved. In addition, the in silico prediction for this alteration is inconclusive. Based on the available evidence, the clinical significance of this alteration remains unclear.

NM_004168.4(SDHA):c.995C>G (p.Pro332Arg)

Gene: SDHA (succinate dehydrogenase complex flavoprotein subunit A; plus strand). Cytogenetic location: 5p15.33.
Variant type: single nucleotide variant.
Coding change: c.995C>G on transcript NM_004168.4 (MANE Select); coding-DNA position 995, C replaced by G.
Protein change: p.Pro332Arg; replaces proline 332 with arginine.
Molecular consequence: missense variant.
Genome position (GRCh38, 1-based): chr5:233,576, C>G. VCF-style: chr5-233576-C-G. GRCh37 (hg19) VCF-style: chr5-233691-C-G.
Other names: c.851C>G, p.Pro284Arg (NM_001294332.2); c.995C>G, p.Pro332Arg (NM_001330758.2); short protein forms P284R, P332R.
Identifiers: ClinVar variation 3223763 (VCV003223763.1), dbSNP rs2477349752, ClinGen allele CA359012808.